The following is an entry in ClinVar:

NM_003238.6(TGFB2):c.1101T>G (p.Tyr367Ter)

Gene: TGFB2 (transforming growth factor beta 2; plus strand). Cytogenetic location: 1q41.
Variant type: single nucleotide variant.
Coding change: c.1101T>G on transcript NM_003238.6 (MANE Select); coding-DNA position 1101, T replaced by G.
Protein change: p.Tyr367Ter; replaces tyrosine 367 with a stop codon.
Molecular consequence: nonsense. On other transcripts: non-coding transcript variant (2).
Genome position (GRCh38, 1-based): chr1:218,441,218, T>G. VCF-style: chr1-218441218-T-G. GRCh37 (hg19) VCF-style: chr1-218614560-T-G.
Other names: c.1185T>G, p.Tyr395Ter (NM_001135599.4); short protein forms Y395*, Y367*.
Identifiers: ClinVar variation 2452017 (VCV002452017.2), dbSNP rs2464889778, ClinGen allele CA344727785.

ClinVar aggregate classification (germline): Likely pathogenic (1 of 4 stars; one submission).

Conditions:
Familial thoracic aortic aneurysm and aortic dissection (TAAD). Also called: Thoracic aortic aneurysms and dissections. Identifiers: Orphanet 91387, MedGen C4707243, MONDO:0019625.

Submission:

Ambry Genetics
Classification: Likely pathogenic for Familial thoracic aortic aneurysm and aortic dissection. Last evaluated: 2022-12-07. Review status: criteria provided, single submitter. Criteria: Ambry Variant Classification Scheme 2023. Collection method: clinical testing. Allele origin: germline.
Comment: The p.Y367* variant (also known as c.1101T>G), located in coding exon 7 of the TGFB2 gene, results from a T to G substitution at nucleotide position 1101. This changes the amino acid from a tyrosine to a stop codon within coding exon 7. This alteration occurs at the 3' terminus of theTGFB2 gene, is not expected to trigger nonsense-mediated mRNA decay, and only impacts the last 21.7% of the protein. However, premature stop codons are typically deleterious in nature and the impacted region is critical for protein function and a significant portion of the protein is affected (Ambry internal data). In addition, this variant is considered to be rare based on population cohorts in the Genome Aggregation Database (gnomAD). Based on the majority of available evidence to date, this variant is likely to be pathogenic.